The following is an entry in ClinVar:

ClinVar aggregate classification (germline): Likely pathogenic. Review status: criteria provided, single submitter (1 of 4 stars). 2 submissions from 2 submitters: Likely pathogenic (1). 1 of the submissions does not count toward it. Last evaluated 2024-09-19.

Conditions:
Arterial tortuosity syndrome (ATORS). Identifiers: Orphanet 3342, MedGen C1859726, MONDO:0008818, OMIM 208050.

Allele frequency attached by ClinVar (database versions not stated): gnomAD exomes 0.00001; TOPMed below 0.00001; ExAC 0.00002.
gnomAD v4.1: 7 of 1,614,136 alleles (0.00043%); highest among the groups gnomAD compares: Non-Finnish European, 0.00025%; no homozygotes.

Submissions (2):

Labcorp Genetics (formerly Invitae), Labcorp
Classification: Likely pathogenic for Arterial tortuosity syndrome. Last evaluated: 2024-09-19. Review status: criteria provided, single submitter. Criteria: Invitae Variant Classification Sherloc (09022015). Collection method: clinical testing. Allele origin: germline.
Comment: This sequence change replaces glycine, which is neutral and non-polar, with glutamic acid, which is acidic and polar, at codon 445 of the SLC2A10 protein (p.Gly445Glu). This variant is present in population databases (rs753723351, gnomAD 0.002%). This missense change has been observed in individual(s) with arterial tortuosity syndrome (PMID: 17935213). ClinVar contains an entry for this variant (Variation ID: 161102). Invitae Evidence Modeling of protein sequence and biophysical properties (such as structural, functional, and spatial information, amino acid conservation, physicochemical variation, residue mobility, and thermodynamic stability) indicates that this missense variant is expected to disrupt SLC2A10 protein function with a positive predictive value of 95%. In summary, the currently available evidence indicates that the variant is pathogenic, but additional data are needed to prove that conclusively. Therefore, this variant has been classified as Likely Pathogenic.

GeneReviews
No classification provided. Condition: Arterial tortuosity syndrome. Review status: no classification provided. Collection method: literature only. Allele origin: germline. Affected: yes. Not counted in ClinVar's aggregate classification.

Literature cited by the submitters: PubMed 17935213 (cited by Labcorp Genetics (formerly Invitae), Labcorp and GeneReviews); NCBI Bookshelf NBK253404 (cited by GeneReviews).

NM_030777.4(SLC2A10):c.1334G>A (p.Gly445Glu)

Gene: SLC2A10 (solute carrier family 2 member 10; plus strand). Cytogenetic location: 20q13.12.
Variant type: single nucleotide variant.
Coding change: c.1334G>A on transcript NM_030777.4 (MANE Select); coding-DNA position 1334, G replaced by A.
Protein change: p.Gly445Glu; replaces glycine 445 with glutamic acid.
Molecular consequence: missense variant.
Genome position (GRCh38, 1-based): chr20:46,726,909, G>A. VCF-style: chr20-46726909-G-A. GRCh37 (hg19) VCF-style: chr20-45355548-G-A.
Other names: short protein forms G445E.
Identifiers: ClinVar variation 161102 (VCV000161102.5), dbSNP rs753723351, ClinGen allele CA347725.